The following is an entry in ClinVar:

ClinVar aggregate classification (germline): Pathogenic. Review status: criteria provided, multiple submitters, no conflicts (2 of 4 stars). 2 submissions from 2 submitters: Pathogenic (2). Last evaluated 2025-11-04.

Submissions (2):

Centre for Clinical Genetics and Genomic Diagnostics, Zealand University Hospital
Classification: Pathogenic. Last evaluated: 2025-11-04. Review status: criteria provided, single submitter. Criteria: ACMG Guidelines, 2015. Collection method: clinical testing. Allele origin: de novo. Affected: yes.

GeneDx
Classification: Pathogenic. Last evaluated: 2023-06-09. Review status: criteria provided, single submitter. Criteria: GeneDx Variant Classification Process June 2021. Collection method: clinical testing. Allele origin: germline. Affected: yes.
Comment: Nonsense variant predicted to result in protein truncation or nonsense mediated decay in a gene for which loss of function is a known mechanism of disease; Not observed at significant frequency in large population cohorts (gnomAD); This variant is associated with the following publications: (PMID: 33157009)

NM_013436.5(NCKAP1):c.2392C>T (p.Arg798Ter)

Gene: NCKAP1 (NCK associated protein 1; minus strand). Cytogenetic location: 2q32.1.
Variant type: single nucleotide variant.
Coding change: c.2392C>T on transcript NM_013436.5 (MANE Select); coding-DNA position 2392, C replaced by T.
Protein change: p.Arg798Ter; replaces arginine 798 with a stop codon.
Molecular consequence: nonsense.
Genome position (GRCh38, 1-based): chr2:182,952,904, G>A on the plus strand (C>T on the coding strand, the complement: NCKAP1 is on the minus strand). VCF-style: chr2-182952904-G-A. GRCh37 (hg19) VCF-style: chr2-183817632-G-A.
Other names: c.2410C>T, p.Arg804Ter (NM_205842.3); short protein forms R798*, R804*.
Identifiers: ClinVar variation 3343859 (VCV003343859.2).
Genomic context (GRCh38, chr2:182,952,904, plus strand): 5'-GTAAGTTCACAAACGCTTTCATTGCAGGAAAATATGCTATATGGCCATTGCTGACTTGTC[G>A]TAACAAAGTTTCCAAATACCTAAGGAGAAACGTAAACTTATAACCGGAAGAAACTGCTTA-3'